The following is an entry in ClinVar:

ClinVar aggregate classification (germline): Uncertain significance (1 of 4 stars; one submission).

gnomAD v4.1: 4 of 1,614,028 alleles (0.00025%); highest among the groups gnomAD compares: African/African-American, 0.0053%; no homozygotes.

Submission:

GeneDx
Classification: Uncertain significance. Last evaluated: 2024-08-26. Review status: criteria provided, single submitter. Criteria: GeneDx Variant Classification Process June 2021. Collection method: clinical testing. Allele origin: germline. Affected: yes.
Comment: Nonsense variant predicted to result in protein truncation or nonsense mediated decay in a gene for which loss of function is a known mechanism of disease; Has not been previously published as pathogenic or benign to our knowledge

NM_005422.4(TECTA):c.5625G>A (p.Trp1875Ter)

Genes: TBCEL-TECTA (TBCEL-TECTA readthrough; plus strand), TECTA (tectorin alpha; plus strand). Cytogenetic location: 11q23.3.
Variant type: single nucleotide variant.
Coding change: c.5625G>A on transcript NM_005422.4 (MANE Select); coding-DNA position 5625, G replaced by A.
Protein change: p.Trp1875Ter; replaces tryptophan 1875 with a stop codon.
Molecular consequence: nonsense.
Genome position (GRCh38, 1-based): chr11:121,168,092, G>A. VCF-style: chr11-121168092-G-A. GRCh37 (hg19) VCF-style: chr11-121038801-G-A.
Other names: c.6567G>A, p.Trp2189Ter (NM_001378761.1); short protein forms W1875*, W2189*.
Identifiers: ClinVar variation 3766264 (VCV003766264.1).